The following is an entry in ClinVar:

ClinVar aggregate classification (germline): Likely benign (0 of 4 stars; one submission).

Conditions:
SEMA3G-related disorder. Also called: SEMA3G-related condition.

gnomAD v4.1: 57 of 1,613,736 alleles (0.0035%); highest among the groups gnomAD compares: Non-Finnish European, 0.0043%; no homozygotes.

Submission:

PreventionGenetics, part of Exact Sciences
Classification: Likely benign for SEMA3G-related condition. Last evaluated: 2023-12-27. Review status: no assertion criteria provided. Collection method: clinical testing. Allele origin: germline.
Comment: This variant is classified as likely benign based on ACMG/AMP sequence variant interpretation guidelines (Richards et al. 2015 PMID: 25741868, with internal and published modifications).

NM_020163.3(SEMA3G):c.1317C>T (p.Ile439=)

Gene: SEMA3G (semaphorin 3G; minus strand). Cytogenetic location: 3p21.1.
Variant type: single nucleotide variant.
Coding change: c.1317C>T on transcript NM_020163.3 (MANE Select); coding-DNA position 1317, C replaced by T.
Protein change: p.Ile439=; no amino-acid change (isoleucine 439 retained).
Molecular consequence: synonymous variant.
Genome position (GRCh38, 1-based): chr3:52,439,925, G>A on the plus strand (C>T on the coding strand, the complement: SEMA3G is on the minus strand). VCF-style: chr3-52439925-G-A. GRCh37 (hg19) VCF-style: chr3-52473941-G-A.
Identifiers: ClinVar variation 3058128 (VCV003058128.2), dbSNP rs149338010, ClinGen allele CA433785816.
Genomic context (GRCh38, chr3:52,439,925, plus strand): 5'-ACCAGTCCCCAGGAAAATGACATCGTAGGTCCCATCCTCTGCCTCCACGCGGTCCACCAC[G>A]ATCTGGTGTAGCTGCTGGGCCAGGTGGGTCTTGACAAGGACAGGGCGGCCATGTCGAGGC-3'
Protein context (NP_064548.1, residues 429-449): KTHLAQQLHQ[Ile439=]VVDRVEAEDG